The following is an entry in ClinVar:

NM_133259.4(LRPPRC):c.802G>C (p.Asp268His)

Gene: LRPPRC (leucine rich pentatricopeptide repeat containing; minus strand). Cytogenetic location: 2p21.
Variant type: single nucleotide variant.
Coding change: c.802G>C on transcript NM_133259.4 (MANE Select); coding-DNA position 802, G replaced by C.
Protein change: p.Asp268His; replaces aspartic acid 268 with histidine.
Molecular consequence: missense variant.
Genome position (GRCh38, 1-based): chr2:43,975,153, C>G on the plus strand (G>C on the coding strand, the complement: LRPPRC is on the minus strand). VCF-style: chr2-43975153-C-G. GRCh37 (hg19) VCF-style: chr2-44202292-C-G.
Other names: p.Asp268His; short protein forms D268H.
Identifiers: ClinVar variation 932563 (VCV000932563.43), dbSNP rs756849117, ClinGen allele CA1639208.

ClinVar aggregate classification (germline): Uncertain significance. Review status: criteria provided, multiple submitters, no conflicts (2 of 4 stars). 5 submissions from 5 submitters: Uncertain significance (4). 1 of the submissions does not count toward it. Last evaluated 2025-07-14.

Conditions:
Congenital lactic acidosis, Saguenay-Lac-Saint-Jean type (MC4DN5). Also called: CYTOCHROME c OXIDASE DEFICIENCY, FRENCH CANADIAN TYPE; COX DEFICIENCY, FRENCH CANADIAN TYPE; MITOCHONDRIAL COMPLEX IV DEFICIENCY, NUCLEAR TYPE 5. Identifiers: Orphanet 70472, MedGen C1857355, MONDO:0009069, OMIM 220111.

Allele frequency attached by ClinVar (database versions not stated): TOPMed 0.00005; ExAC 0.00006; gnomAD exomes 0.00006 and 0.00013; gnomAD 0.00007.
gnomAD v4.1: 209 of 1,613,468 alleles (0.013%); highest among the groups gnomAD compares: Non-Finnish European, 0.017%; no homozygotes.

Submissions (5):

Mayo Clinic Laboratories, Mayo Clinic
Classification: Uncertain significance. Last evaluated: 2025-07-14. Review status: criteria provided, single submitter. Criteria: ACMG Guidelines, 2015. Collection method: clinical testing. Allele origin: germline. Observed: 1 variant allele.
Comment: PM2_supporting

Labcorp Genetics (formerly Invitae), Labcorp
Classification: Uncertain significance. Last evaluated: 2022-03-01. Review status: criteria provided, single submitter. Criteria: Invitae Variant Classification Sherloc (09022015). Collection method: clinical testing. Allele origin: germline.
Comment: This sequence change replaces aspartic acid, which is acidic and polar, with histidine, which is basic and polar, at codon 268 of the LRPPRC protein (p.Asp268His). This variant is present in population databases (rs756849117, gnomAD 0.01%). This variant has not been reported in the literature in individuals affected with LRPPRC-related conditions. ClinVar contains an entry for this variant (Variation ID: 932563). Algorithms developed to predict the effect of missense changes on protein structure and function are either unavailable or do not agree on the potential impact of this missense change (SIFT: "Tolerated"; PolyPhen-2: "Probably Damaging"; Align-GVGD: "Class C0"). In summary, the available evidence is currently insufficient to determine the role of this variant in disease. Therefore, it has been classified as a Variant of Uncertain Significance.

GeneDx
Classification: Uncertain significance. Last evaluated: 2021-08-26. Review status: criteria provided, single submitter. Criteria: GeneDx Variant Classification Process June 2021. Collection method: clinical testing. Allele origin: germline. Affected: yes.
Comment: Has not been previously published as pathogenic or benign to our knowledge; Not observed at significant frequency in large population cohorts (Lek et al., 2016); In silico analysis supports that this missense variant has a deleterious effect on protein structure/function

CeGaT Center for Human Genetics Tuebingen
Classification: Uncertain significance. Last evaluated: 2020-06-01. Review status: criteria provided, single submitter. Criteria: CeGaT Center For Human Genetics Tuebingen Variant Classification Criteria Version 2. Collection method: clinical testing. Allele origin: germline. Affected: yes. Observed: 1 variant allele.

Natera, Inc.
Classification: Uncertain significance for French-Canadian type Leigh syndrome. Last evaluated: 2020-02-10. Review status: no assertion criteria provided. Collection method: clinical testing. Allele origin: germline. Not counted in ClinVar's aggregate classification.